The following is an entry in ClinVar:

NC_012920.1(MT-ND1):m.3937T>C

Gene: MT-ND1 (mitochondrially encoded NADH dehydrogenase 1; plus strand).
Variant type: single nucleotide variant.
Genome position: chrM-3937-T-C.
Identifiers: ClinVar variation 692408 (VCV000692408.1), dbSNP rs1603219204, ClinGen allele CA414773837.

ClinVar aggregate classification (germline): Uncertain significance (1 of 4 stars; one submission).

Conditions:
Leigh syndrome (NULS). Also called: Leigh's necrotizing encephalopathy; Leigh's disease; Leigh Syndrome (mtDNA deletion); Leigh Disease; Subacute necrotizing encephalopathy; Necrotizing encephalopathy infantile subacute of Leigh. Identifiers: Orphanet 506, MedGen C2931891, MONDO:0009723, OMIM 256000.

Submission:

Wong Mito Lab, Molecular and Human Genetics, Baylor College of Medicine
Classification: Uncertain significance for Leigh syndrome. Last evaluated: 2019-10-17. Review status: criteria provided, single submitter. Criteria: Modified ACMG Guidelines (Unpublished). Collection method: clinical testing. Allele origin: germline.
Comment: The NC_012920.1:m.3937T>C (YP_003024026.1:p.Phe211Leu) variant in MTND1 gene is interpretated to be a Uncertain Significance variant based on the modified ACMG guidelines (unpublished). This variant meets the following evidence codes: PP7